The following is an entry in ClinVar:

NM_018418.5(SPATA7):c.1477A>G (p.Met493Val)

Gene: SPATA7 (spermatogenesis associated 7; plus strand). Cytogenetic location: 14q31.3.
Variant type: single nucleotide variant.
Coding change: c.1477A>G on transcript NM_018418.5 (MANE Select); coding-DNA position 1477, A replaced by G.
Protein change: p.Met493Val; replaces methionine 493 with valine.
Molecular consequence: missense variant.
Genome position (GRCh38, 1-based): chr14:88,438,099, A>G. VCF-style: chr14-88438099-A-G. GRCh37 (hg19) VCF-style: chr14-88904443-A-G.
Other names: c.1381A>G, p.Met461Val (NM_001040428.4); short protein forms M493V, M461V.
Identifiers: ClinVar variation 1345235 (VCV001345235.8), dbSNP rs1229447697, ClinGen allele CA390572175.
Genomic context (GRCh38, chr14:88,438,099, plus strand): 5'-ATGTTATTGTCGGCACCAAAGGATGAGAACGAGATATTCCCTTCACCAACTGAATTTTTC[A>G]TGCCTATTTATAAATCAAAGCATTCAGAAGGGGTTATAATTCAACAGGTGAATGATGAAA-3'
Protein context (NP_060888.2, residues 483-503): EIFPSPTEFF[Met493Val]PIYKSKHSEG

ClinVar aggregate classification (germline): Uncertain significance (1 of 4 stars; one submission).

Conditions:
Leber congenital amaurosis 3 (LCA3). Also called: SPATA7-Related Retinitis Pigmentosa. Identifiers: MedGen C1858677, MONDO:0011415, OMIM 604232.

Submission:

Labcorp Genetics (formerly Invitae), Labcorp
Classification: Uncertain significance for Leber congenital amaurosis 3. Last evaluated: 2025-04-28. Review status: criteria provided, single submitter. Criteria: Invitae Variant Classification Sherloc (09022015). Collection method: clinical testing. Allele origin: germline.
Comment: This sequence change replaces methionine, which is neutral and non-polar, with valine, which is neutral and non-polar, at codon 493 of the SPATA7 protein (p.Met493Val). This variant is not present in population databases (gnomAD no frequency). This variant has not been reported in the literature in individuals affected with SPATA7-related conditions. ClinVar contains an entry for this variant (Variation ID: 1345235). Invitae Evidence Modeling of protein sequence and biophysical properties (such as structural, functional, and spatial information, amino acid conservation, physicochemical variation, residue mobility, and thermodynamic stability) has been performed for this missense variant. However, the output from this modeling did not meet the statistical confidence thresholds required to predict the impact of this variant on SPATA7 protein function. In summary, the available evidence is currently insufficient to determine the role of this variant in disease. Therefore, it has been classified as a Variant of Uncertain Significance.